The following is an entry in ClinVar:

ClinVar aggregate classification (germline): Uncertain significance (1 of 4 stars; one submission).

Conditions:
CHARGE syndrome (CHARGE). Also called: Hittner Hirsch Kreh syndrome; CHARGE ASSOCIATION--COLOBOMA, HEART ANOMALY, CHOANAL ATRESIA, RETARDATION, GENITAL AND EAR ANOMALIES; Coloboma, heart anomaly, choanal atresia, retardation, genital and ear anomalies; CHARGE association; Hall-Hittner syndrome. Identifiers: Orphanet 138, MedGen C0265354, MONDO:0008965.

Submission:

Labcorp Genetics (formerly Invitae), Labcorp
Classification: Uncertain significance for CHARGE syndrome. Last evaluated: 2022-09-15. Review status: criteria provided, single submitter. Criteria: Invitae Variant Classification Sherloc (09022015). Collection method: clinical testing. Allele origin: germline.
Comment: This sequence change replaces aspartic acid, which is acidic and polar, with glycine, which is neutral and non-polar, at codon 1387 of the CHD7 protein (p.Asp1387Gly). This variant is not present in population databases (gnomAD no frequency). This variant has not been reported in the literature in individuals affected with CHD7-related conditions. Advanced modeling of protein sequence and biophysical properties (such as structural, functional, and spatial information, amino acid conservation, physicochemical variation, residue mobility, and thermodynamic stability) performed at Invitae indicates that this missense variant is expected to disrupt CHD7 protein function. Algorithms developed to predict the effect of sequence changes on RNA splicing suggest that this variant may create or strengthen a splice site. In summary, the available evidence is currently insufficient to determine the role of this variant in disease. Therefore, it has been classified as a Variant of Uncertain Significance.

NM_017780.4(CHD7):c.4160A>G (p.Asp1387Gly)

Gene: CHD7 (chromodomain helicase DNA binding protein 7; plus strand). Cytogenetic location: 8q12.2.
Variant type: single nucleotide variant.
Coding change: c.4160A>G on transcript NM_017780.4 (MANE Select); coding-DNA position 4160, A replaced by G.
Protein change: p.Asp1387Gly; replaces aspartic acid 1387 with glycine.
Molecular consequence: missense variant. On other transcripts: intron variant (1).
Genome position (GRCh38, 1-based): chr8:60,836,987, A>G. VCF-style: chr8-60836987-A-G. GRCh37 (hg19) VCF-style: chr8-61749546-A-G.
Other names: c.1717-25242A>G (NM_001316690.1); short protein forms D1387G.
Identifiers: ClinVar variation 1719516 (VCV001719516.5), dbSNP rs2487904505, ClinGen allele CA371317002.